The following is an entry in ClinVar:

NM_003466.4(PAX8):c.398G>A (p.Arg133Gln)

Genes: PAX8 (paired box 8; minus strand), PAX8-AS1 (PAX8 antisense RNA 1; plus strand). Cytogenetic location: 2q14.1.
Variant type: single nucleotide variant.
Coding change: c.398G>A on transcript NM_003466.4 (MANE Select); coding-DNA position 398, G replaced by A.
Protein change: p.Arg133Gln; replaces arginine 133 with glutamine.
Molecular consequence: missense variant.
Genome position (GRCh38, 1-based): chr2:113,242,770, C>T on the plus strand (G>A on the coding strand, the complement: PAX8 is on the minus strand). VCF-style: chr2-113242770-C-T. GRCh37 (hg19) VCF-style: chr2-114000347-C-T.
Other names: c.398G>A, p.Arg133Gln (NM_013952.4, NM_013953.4, NM_013992.4); short protein forms R133Q.
Identifiers: ClinVar variation 3584291 (VCV003584291.3).

ClinVar aggregate classification (germline): Pathogenic/Likely pathogenic. Review status: criteria provided, multiple submitters, no conflicts (2 of 4 stars). 3 submissions from 3 submitters: Pathogenic (1); Likely pathogenic (2). Last evaluated 2025-03-19.

Conditions:
PAX8-related disorder. Also called: PAX8-related condition.
Congenital hypothyroidism. Identifiers: Orphanet 442, MedGen C0010308, MONDO:0018612, HP:0000851.
Hypothyroidism, congenital, nongoitrous, 2 (CHNG2). Also called: Hypothyroidism, congenital, due to thyroid dysgenesis or hypoplasia. Identifiers: Orphanet 95712, MedGen C1869118, MONDO:0024264, OMIM 218700.

gnomAD v4.1: 1 of 1,613,166 alleles (0.000062%); no homozygotes.

Submissions (3):

Cambridge Genomics Laboratory, East Genomic Laboratory Hub, NHS Genomic Medicine Service
Classification: Likely pathogenic for Congenital hypothyroidism. Last evaluated: 2025-03-19. Review status: criteria provided, single submitter. Criteria: ACGS Best Practice Guidelines for Variant Classification in Rare Disease 2020. Collection method: clinical testing. Allele origin: germline. Affected: yes.
Comment: PS3_Supporting,PS4_Moderate,PM2,PM6,PP3

Fulgent Genetics
Classification: Likely pathogenic for Hypothyroidism, congenital, nongoitrous, 2. Last evaluated: 2024-04-29. Review status: criteria provided, single submitter. Criteria: ACMG Guidelines, 2015. Collection method: clinical testing. Allele origin: germline.

Blueprint Genetics
Classification: Pathogenic for PAX8-related disorders. Last evaluated: 2022-05-16. Review status: criteria provided, single submitter. Criteria: ACMG Guidelines, 2015. Collection method: clinical testing. Allele origin: germline. Affected: yes. Observed: 1 variant allele.